The following is an entry in ClinVar:

NM_020859.4(SHROOM3):c.1263C>T (p.Gly421=)

Genes: SHROOM3 (shroom family member 3; plus strand), SHROOM3-AS1 (SHROOM3 antisense RNA 1; minus strand). Cytogenetic location: 4q21.1.
Variant type: single nucleotide variant.
Coding change: c.1263C>T on transcript NM_020859.4 (MANE Select); coding-DNA position 1263, C replaced by T.
Protein change: p.Gly421=; no amino-acid change (glycine 421 retained).
Molecular consequence: synonymous variant.
Genome position (GRCh38, 1-based): chr4:76,739,436, C>T. VCF-style: chr4-76739436-C-T. GRCh37 (hg19) VCF-style: chr4-77660589-C-T.
Identifiers: ClinVar variation 3053420 (VCV003053420.2), dbSNP rs141874410, ClinGen allele CA2972325.

ClinVar aggregate classification (germline): Likely benign (0 of 4 stars; one submission).

Conditions:
SHROOM3-related disorder. Also called: SHROOM3-related condition.

Allele frequency attached by ClinVar (database versions not stated): 1000 Genomes Project 30x 0.00047; 1000 Genomes Project 0.00060; gnomAD 0.00111; ESP Exome Variant Server 0.00131.
gnomAD v4.1: 329 of 1,614,196 alleles (0.02%); highest among the groups gnomAD compares: African/African-American, 0.39%; 1 homozygote.

Submission:

PreventionGenetics, part of Exact Sciences
Classification: Likely benign for SHROOM3-related condition. Last evaluated: 2019-10-28. Review status: no assertion criteria provided. Collection method: clinical testing. Allele origin: germline.
Comment: This variant is classified as likely benign based on ACMG/AMP sequence variant interpretation guidelines (Richards et al. 2015 PMID: 25741868, with internal and published modifications).